The following is an entry in ClinVar:

NM_000108.5(DLD):c.338-1G>C

Gene: DLD (dihydrolipoamide dehydrogenase; plus strand). Cytogenetic location: 7q31.1.
Variant type: single nucleotide variant.
Coding change: c.338-1G>C on transcript NM_000108.5 (MANE Select); the canonical splice acceptor site of the intron before coding-DNA position 338, G replaced by C.
Molecular consequence: splice acceptor variant.
Genome position (GRCh38, 1-based): chr7:107,904,957, G>C. VCF-style: chr7-107904957-G-C. GRCh37 (hg19) VCF-style: chr7-107545402-G-C.
Other names: c.338-1G>C (NM_001289752.1); c.269-1G>C (NM_001289751.1); c.41-1G>C (NM_001289750.1).
Identifiers: ClinVar variation 4817451 (VCV004817451.1).

ClinVar aggregate classification (germline): Likely pathogenic (1 of 4 stars; one submission).

Conditions:
Pyruvate dehydrogenase E3 deficiency (DLDD). Also called: Lipoamide dehydrogenase deficiency, lactic acidosis due to; Dihydrolipoamide Dehydrogenase (E3) Deficiency; MAPLE SYRUP URINE DISEASE, TYPE III; Dihydrolipoamide Dehydrogenase Deficiency; DLD DEFICIENCY; E3 DEFICIENCY. Identifiers: Orphanet 2394, Orphanet 765, MedGen C5574660, MONDO:0009529, OMIM 246900.

Submission:

Natera, Inc.
Classification: Likely pathogenic for Maple syrup urine disease type 3. Last evaluated: 2024-07-30. Review status: criteria provided, single submitter. Criteria: Natera Variant Classification Schema (03/2026). Collection method: clinical testing. Allele origin: germline.
Comment: The c.338-1G>C variant in DLD is a canonical splice acceptor site variant predicted to affect pre-mRNA splicing, which may result in an abnormal transcript and altered protein product. This variant is expected to result in nonsense mediated decay, truncation, or a dysfunctional protein product. This variant is rare in the general population with a frequency below the threshold expected for the associated phenotype(s). Given the available evidence, this variant is classified as Likely Pathogenic.